The following is an entry in ClinVar:

NM_030777.4(SLC2A10):c.-10C>G

Gene: SLC2A10 (solute carrier family 2 member 10; plus strand). Cytogenetic location: 20q13.12.
Variant type: single nucleotide variant.
Coding change: c.-10C>G on transcript NM_030777.4 (MANE Select); 10 bases upstream of the start codon, C replaced by G.
Molecular consequence: 5 prime UTR variant.
Genome position (GRCh38, 1-based): chr20:46,709,727, C>G. VCF-style: chr20-46709727-C-G. GRCh37 (hg19) VCF-style: chr20-45338366-C-G.
Identifiers: ClinVar variation 3036380 (VCV003036380.3), dbSNP rs1305422851, ClinGen allele CA636055006.

ClinVar aggregate classification (germline): Likely benign. Review status: criteria provided, single submitter (1 of 4 stars). 2 submissions from 2 submitters: Likely benign (1). 1 of the submissions does not count toward it. Last evaluated 2025-07-24.

Conditions:
SLC2A10-related disorder. Also called: SLC2A10-related condition.

Allele frequency attached by ClinVar (database versions not stated): gnomAD 0.00001; TOPMed 0.00001; gnomAD exomes below 0.00001.
gnomAD v4.1: 7 of 1,546,082 alleles (0.00045%); highest among the groups gnomAD compares: Non-Finnish European, 0.00061%; no homozygotes.

Submissions (2):

Molecular Diagnostic Laboratory for Inherited Cardiovascular Disease, Montreal Heart Institute
Classification: Likely benign. Last evaluated: 2025-07-24. Review status: criteria provided, single submitter. Criteria: ACMG Guidelines, 2015. Collection method: clinical testing. Allele origin: germline. Affected: no.

PreventionGenetics, part of Exact Sciences
Classification: Likely benign for SLC2A10-related condition. Last evaluated: 2022-06-29. Review status: no assertion criteria provided. Collection method: clinical testing. Allele origin: germline. Not counted in ClinVar's aggregate classification.
Comment: This variant is classified as likely benign based on ACMG/AMP sequence variant interpretation guidelines (Richards et al. 2015 PMID: 25741868, with internal and published modifications).